The following is an entry in ClinVar:

NM_012123.4(MTO1):c.83A>C (p.Asp28Ala)

Gene: MTO1 (mitochondrial tRNA translation optimization 1; plus strand). Cytogenetic location: 6q13.
Variant type: single nucleotide variant.
Coding change: c.83A>C on transcript NM_012123.4 (MANE Select); coding-DNA position 83, A replaced by C.
Protein change: p.Asp28Ala; replaces aspartic acid 28 with alanine.
Molecular consequence: missense variant.
Genome position (GRCh38, 1-based): chr6:73,461,937, A>C. VCF-style: chr6-73461937-A-C. GRCh37 (hg19) VCF-style: chr6-74171660-A-C.
Other names: c.83A>C, p.Asp28Ala (NM_001123226.2, NM_133645.3); short protein forms D28A.
Identifiers: ClinVar variation 1009341 (VCV001009341.8), dbSNP rs1770829413, ClinGen allele CA364711862.
Genomic context (GRCh38, chr6:73,461,937, plus strand): 5'-GCCGTTGGGTCGCGGTTTCCTTCACCAAGCAGCAATTTCCGTTGGCACGGTTGAGCAGTG[A>C]CAGCGCGGCGCCCCGGACTCCGCACTTCGACGTGATAGTCATTGGTGGAGGACATGCCGG-3'
Protein context (NP_036255.2, residues 18-38): QQFPLARLSS[Asp28Ala]SAAPRTPHFD

ClinVar aggregate classification (germline): Uncertain significance (1 of 4 stars; one submission).

Conditions:
Mitochondrial hypertrophic cardiomyopathy with lactic acidosis due to MTO1 deficiency. Also called: Combined oxidative phosphorylation deficiency 10; CARDIOMYOPATHY, INFANTILE HYPERTROPHIC MITOCHONDRIAL, AND LACTIC ACIDOSIS. Identifiers: Orphanet 314637, MedGen C4749921, MONDO:0013865, OMIM 614702.

Allele frequency attached by ClinVar (database versions not stated): gnomAD exomes below 0.00001.
gnomAD v4.1: 4 of 1,614,248 alleles (0.00025%); highest among the groups gnomAD compares: Non-Finnish European, 0.00034%; no homozygotes.

Submission:

Labcorp Genetics (formerly Invitae), Labcorp
Classification: Uncertain significance for Mitochondrial hypertrophic cardiomyopathy with lactic acidosis due to MTO1 deficiency. Last evaluated: 2020-09-14. Review status: criteria provided, single submitter. Criteria: Invitae Variant Classification Sherloc (09022015). Collection method: clinical testing. Allele origin: germline.
Comment: This sequence change replaces aspartic acid with alanine at codon 28 of the MTO1 protein (p.Asp28Ala). The aspartic acid residue is weakly conserved and there is a moderate physicochemical difference between aspartic acid and alanine. This variant is not present in population databases (ExAC no frequency). This variant has not been reported in the literature in individuals with MTO1-related conditions. Algorithms developed to predict the effect of missense changes on protein structure and function are either unavailable or do not agree on the potential impact of this missense change (SIFT: "Deleterious"; PolyPhen-2: "Benign"; Align-GVGD: "Class C0"). In summary, the available evidence is currently insufficient to determine the role of this variant in disease. Therefore, it has been classified as a Variant of Uncertain Significance.